The following is an entry in ClinVar:

NM_007294.4(BRCA1):c.1442T>C (p.Leu481Pro)

Gene: BRCA1 (BRCA1 DNA repair associated; minus strand). Cytogenetic location: 17q21.31.
Variant type: single nucleotide variant.
Coding change: c.1442T>C on transcript NM_007294.4 (MANE Select); coding-DNA position 1442, T replaced by C.
Protein change: p.Leu481Pro; replaces leucine 481 with proline.
Molecular consequence: missense variant. On other transcripts: intron variant (137).
Genome position (GRCh38, 1-based): chr17:43,094,089, A>G on the plus strand (T>C on the coding strand, the complement: BRCA1 is on the minus strand). VCF-style: chr17-43094089-A-G. GRCh37 (hg19) VCF-style: chr17-41246106-A-G.
Other names: c.577+655T>C (NM_001408513.1, NM_001408481.1, NM_001408480.1 and 9 more transcripts); c.520+655T>C (NM_001408503.1, NM_001408505.1, NM_001408504.1); c.646+655T>C (NM_001408466.1, NM_001408452.1, NM_001408457.1 and 11 more transcripts); c.404-3057T>C (NM_001408511.1); c.523+655T>C (NM_001408497.1, NM_001408500.1, NM_001408498.1 and 3 more transcripts); c.787+655T>C (NM_001407973.1, NM_001407980.1, NM_001407993.1 and 19 more transcripts); c.1316T>C, p.Leu439Pro (NM_001407688.1, NM_001407691.1, NM_001407689.1 and 11 more transcripts); c.1301T>C, p.Leu434Pro (NM_001407692.1, NM_001407694.1, NM_001407695.1 and 29 more transcripts); and 40 more; short protein forms L481P, L434P, L392P, L433P, L439P, L455P, L353P, L369P.
Identifiers: ClinVar variation 921100 (VCV000921100.6), dbSNP rs2053937820, ClinGen allele CA10599156.

ClinVar aggregate classification (germline): Conflicting classifications of pathogenicity. Review status: criteria provided, conflicting classifications (1 of 4 stars). 2 submissions from 2 submitters: Uncertain significance (1); Likely benign (1). Last evaluated 2023-03-23.

Conditions:
Hereditary cancer-predisposing syndrome. Also called: Neoplastic Syndromes, Hereditary; Tumor predisposition; Hereditary Cancer Syndrome; Hereditary neoplastic syndrome. Identifiers: Orphanet 140162, MedGen C0027672, MeSH D009386, MONDO:0015356.

Allele frequency attached by ClinVar (database versions not stated): gnomAD exomes below 0.00001.

Submissions (2):

University of Washington Department of Laboratory Medicine, University of Washington
Classification: Likely benign for Hereditary cancer-predisposing syndrome. Last evaluated: 2023-03-23. Review status: criteria provided, single submitter. Criteria: Dines et al. (Genet Med. 2020). Collection method: curation. Allele origin: germline.
Comment: Missense variant in a coldspot region where missense variants are very unlikely to be pathogenic (PMID:31911673).

BRCA1 coldspot (exon 11 using historical exon numbering). Reclassification based on statistical prior probability

Color Diagnostics, LLC DBA Color Health
Classification: Uncertain significance for Hereditary cancer-predisposing syndrome. Last evaluated: 2021-03-15. Review status: criteria provided, single submitter. Criteria: ACMG Guidelines, 2015. Collection method: clinical testing. Allele origin: germline.
Comment: This missense variant replaces leucine with proline at codon 481 of the BRCA1 protein. Computational prediction is inconclusive regarding the impact of this variant on protein structure and function (internally defined REVEL score threshold 0.5 < inconclusive < 0.7, PMID: 27666373). Splice site prediction tools suggest that this variant may not impact RNA splicing. To our knowledge, functional studies have not been performed for this variant. This variant has not been reported in individuals affected with hereditary cancer in the literature. This variant has not been identified in the general population by the Genome Aggregation Database (gnomAD). The available evidence is insufficient to determine the role of this variant in disease conclusively. Therefore, this variant is classified as a Variant of Uncertain Significance.